The following is an entry in ClinVar:

NM_000104.4(CYP1B1):c.685G>A (p.Glu229Lys)

Gene: CYP1B1 (cytochrome P450 family 1 subfamily B member 1; minus strand). Cytogenetic location: 2p22.2.
Variant type: single nucleotide variant.
Coding change: c.685G>A on transcript NM_000104.4 (MANE Select); coding-DNA position 685, G replaced by A.
Protein change: p.Glu229Lys; replaces glutamic acid 229 with lysine.
Molecular consequence: missense variant.
Genome position (GRCh38, 1-based): chr2:38,074,704, C>T on the plus strand (G>A on the coding strand, the complement: CYP1B1 is on the minus strand). VCF-style: chr2-38074704-C-T. GRCh37 (hg19) VCF-style: chr2-38301847-C-T.
Other names: NM_000104.4(CYP1B1):c.685G>A; short protein forms E229K.
Identifiers: ClinVar variation 68467 (VCV000068467.25), dbSNP rs57865060, ClinGen allele CA145183.
Genomic context (GRCh38, chr2:38,074,704, plus strand): 5'-ACTGCAGCCAGGGCATCACGTCCACCAGGCTGCCCGCGCCCACCGTGCGCCCGAACTCTT[C>T]GTTGTGGCTGAGCAGCTCACGGAACTCGGGGTCGTCGTGGCTGTAGCGGCAGCCGAAACA-3'
Protein context (NP_000095.2, residues 219-239): PEFRELLSHN[Glu229Lys]EFGRTVGAGS

ClinVar aggregate classification (germline): Benign. Review status: reviewed by expert panel (3 of 4 stars). 9 submissions from 9 submitters: Benign (1). 8 of the submissions do not count toward it. Last evaluated 2025-11-19.

Conditions:
Congenital glaucoma. Identifiers: MedGen C0020302, MONDO:0020366.
CYP1B1-related glaucoma with or without anterior segment dysgenesis. Identifiers: MedGen CN375931, MONDO:0800472.
Irido-corneo-trabecular dysgenesis (ASGD5). Also called: ANTERIOR SEGMENT DYSGENESIS 5. Identifiers: Orphanet 708, MedGen C0344559, MONDO:0011414, OMIM 604229, HP:0000659.
Glaucoma 3A. Also called: Glaucoma 3, primary congenital, A. Identifiers: Orphanet 98976, Orphanet 98977, MedGen C1856439, MONDO:0009277, OMIM 231300.
Congenital ocular coloboma. Also called: COLOBOMA OF IRIS, CHOROID, AND RETINA; COLOBOMA, UVEORETINAL; Coloboma of eye; Coloboma. Identifiers: HP:0000589, Orphanet 194, MedGen C0009363, MONDO:0001476.

Allele frequency attached by ClinVar (database versions not stated): ESP Exome Variant Server 0.00370; TOPMed 0.00443; gnomAD 0.00478 and 0.00622; 1000 Genomes Project 30x 0.00937; 1000 Genomes Project 0.01038; gnomAD exomes 0.01093; ExAC 0.01423.

Submissions (9):

ClinGen Glaucoma Variant Curation Expert Panel
Classification: Benign for CYP1B1-related glaucoma with or without anterior segment dysgenesis. Last evaluated: 2025-11-19. Review status: reviewed by expert panel. Criteria: ClinGen CYP1B1 ACMG Specifications V1 Approved. Collection method: curation. Allele origin: germline. Inheritance: Autosomal recessive inheritance.
Comment: The c.685G>A variant in CYP1B1 is a missense variant predicted to cause substitution of Glutamic Acid by Lysine at amino acid 229 (p.Glu229Lys). The highest minor allele frequency of this variant was in the South Asian genetic ancestry group of gnomAD (v4.1) = 0.05176, which met the ≥ 0.05 threshold set for BA1 (4,701 alleles out of 90,816, meeting the threshold of ≥ 5 of at least 2,000 observed alleles). This missense variant was not predicted to affect splicing, as assessed with SpliceAI (≤ 0.1) and the REVEL score = 0.395, which was neither above nor below the thresholds for PP3 (≥ 0.644) or BP4 (≤ 0.290), predicting a damaging or benign impact on CYP1B1 function. A previous study (PMID: 18470941) demonstrated that the 17B estradiol activity levels of the Glu229Lys protein were not below the established threshold for that assay (<20% relative activity compared to background haplotype). This variant was also assessed in PMIDs: 27243976, 19234632, 19793111, 18622259, 17363580 & 3028769, however, the assays reported did not meet the OddsPath threshold (> 2.1) or the threshold for abnormal impact on protein function in the assay could not be determined. In summary, this variant was classified as benign (BA1 is a stand-alone criterion for a benign level of pathogenicity) for CYP1B1-related glaucoma with or without anterior segment dysgenesis (ASD) based on the ACMG/AMP criteria met, as specified by the ClinGen Glaucoma VCEP (v1.0, 06.11.2025): BA1

Labcorp Genetics (formerly Invitae), Labcorp
Classification: Benign for Congenital glaucoma. Last evaluated: 2026-02-04. Review status: criteria provided, single submitter. Criteria: Invitae Variant Classification Sherloc (09022015). Collection method: clinical testing. Allele origin: germline. Not counted in ClinVar's aggregate classification.

Department of Genetics, Sultan Qaboos University Hospital
Classification: Likely benign for Glaucoma 3A. Last evaluated: 2024-06-12. Review status: criteria provided, single submitter. Criteria: ACMG Guidelines, 2015. Collection method: curation. Allele origin: unknown. Affected: yes. Not counted in ClinVar's aggregate classification.

Mendelics
Classification: Benign for Irido-corneo-trabecular dysgenesis. Last evaluated: 2023-08-22. Review status: criteria provided, single submitter. Criteria: Mendelics Assertion Criteria 2019. Collection method: clinical testing. Allele origin: germline. Not counted in ClinVar's aggregate classification.

Women's Health and Genetics/Laboratory Corporation of America, LabCorp
Classification: Likely benign. Last evaluated: 2021-12-10. Review status: criteria provided, single submitter. Criteria: LabCorp Variant Classification Summary - May 2015. Collection method: clinical testing. Allele origin: germline. Not counted in ClinVar's aggregate classification.

GeneDx
Classification: Likely benign. Last evaluated: 2021-03-24. Review status: criteria provided, single submitter. Criteria: GeneDx Variant Classification Process June 2021. Collection method: clinical testing. Allele origin: germline. Affected: yes. Not counted in ClinVar's aggregate classification.
Comment: This variant is associated with the following publications: (PMID: 15037581, 19643970, 28620713, 32153331, 30270463, 30108387, 29168043, 25091052, 16862072, 26517685, 28386709, 18470941, 25261878, 27777502, 27884173, 27243976, 11558822, 23028769, 18622259, 19234632, 19236111, 19793111, 22004014, 25527694, 27508083)

Illumina Laboratory Services, Illumina
Classification: Likely benign for Glaucoma 3A. Last evaluated: 2017-04-27. Review status: criteria provided, single submitter. Criteria: ICSL Variant Classification Criteria 13 December 2019. Collection method: clinical testing. Allele origin: germline. Not counted in ClinVar's aggregate classification.
Comment: This variant was observed as part of a predisposition screen in an ostensibly healthy population. A literature search was performed for the gene, cDNA change, and amino acid change (where applicable). Publications were found based on this search. The evidence from the literature, in combination with allele frequency data from public databases where available, was sufficient to determine this variant is unlikely to cause disease. Therefore, this variant is classified as likely benign.

Eurofins Ntd Llc (ga)
Classification: other. Last evaluated: 2014-08-11. Review status: criteria provided, single submitter. Criteria: EGL Classification Definitions 2015. Collection method: clinical testing. Allele origin: germline. Observed: 16 variant alleles, 15 heterozygotes, 1 homozygote. Not counted in ClinVar's aggregate classification.

Eye Genetics Research Group, Children's Medical Research Institute
Classification: Uncertain significance for Coloboma. Last evaluated: 2012-03-30. Review status: no assertion criteria provided. Collection method: research. Allele origin: paternal. Affected: yes. Not counted in ClinVar's aggregate classification.

Literature cited by the submitters: PubMed 11558822 (cited by Illumina Laboratory Services, Illumina); PubMed 21854771 (cited by Illumina Laboratory Services, Illumina); PubMed 24281366 (cited by Eye Genetics Research Group, Children's Medical Research Institute).